The following is an entry in ClinVar:

ClinVar aggregate classification (germline): Uncertain significance. Review status: criteria provided, multiple submitters, no conflicts (2 of 4 stars). 2 submissions from 2 submitters: Uncertain significance (2). Last evaluated 2025-11-20.

gnomAD v4.1: 31 of 1,613,378 alleles (0.0019%); highest among the groups gnomAD compares: Non-Finnish European, 0.00034%; no homozygotes.

Submissions (2):

Ambry Genetics
Classification: Uncertain significance. Last evaluated: 2025-11-20. Review status: criteria provided, single submitter. Criteria: Ambry Variant Classification Scheme 2023. Collection method: clinical testing. Allele origin: germline.

Labcorp Genetics (formerly Invitae), Labcorp
Classification: Uncertain significance. Last evaluated: 2025-01-11. Review status: criteria provided, single submitter. Criteria: Invitae Variant Classification Sherloc (09022015). Collection method: clinical testing. Allele origin: germline.
Comment: This sequence change replaces serine, which is neutral and polar, with cysteine, which is neutral and slightly polar, at codon 395 of the TMPRSS15 protein (p.Ser395Cys). This variant is present in population databases (rs371944765, gnomAD 0.09%). This variant has not been reported in the literature in individuals affected with TMPRSS15-related conditions. An algorithm developed to predict the effect of missense changes on protein structure and function (PolyPhen-2) suggests that this variant is likely to be disruptive. In summary, the available evidence is currently insufficient to determine the role of this variant in disease. Therefore, it has been classified as a Variant of Uncertain Significance.

NM_002772.3(TMPRSS15):c.1184C>G (p.Ser395Cys)

Gene: TMPRSS15 (transmembrane serine protease 15; minus strand). Cytogenetic location: 21q21.1.
Variant type: single nucleotide variant.
Coding change: c.1184C>G on transcript NM_002772.3 (MANE Select); coding-DNA position 1184, C replaced by G.
Protein change: p.Ser395Cys; replaces serine 395 with cysteine.
Molecular consequence: missense variant.
Genome position (GRCh38, 1-based): chr21:18,344,048, G>C on the plus strand (C>G on the coding strand, the complement: TMPRSS15 is on the minus strand). VCF-style: chr21-18344048-G-C. GRCh37 (hg19) VCF-style: chr21-19716365-G-C.
Other names: c.1319C>G, p.Ser440Cys (NM_001428056.1); c.1184C>G, p.Ser395Cys (NM_001428057.1); c.1184C>G (NM_002772.2); short protein forms S395C, S440C.
Identifiers: ClinVar variation 3625771 (VCV003625771.2).